The following is an entry in ClinVar:

ClinVar aggregate classification (germline): Uncertain significance. Review status: criteria provided, multiple submitters, no conflicts (2 of 4 stars). 2 submissions from 2 submitters: Uncertain significance (2). Last evaluated 2022-11-15.

Submissions (2):

Labcorp Genetics (formerly Invitae), Labcorp
Classification: Uncertain significance. Last evaluated: 2022-11-15. Review status: criteria provided, single submitter. Criteria: Invitae Variant Classification Sherloc (09022015). Collection method: clinical testing. Allele origin: germline.
Comment: This variant, c.1299_1313del, results in the deletion of 5 amino acid(s) of the IMPDH1 protein (p.Lys434_Tyr438del), but otherwise preserves the integrity of the reading frame. This variant is present in population databases (no rsID available, gnomAD 0.0009%). This variant has not been reported in the literature in individuals affected with IMPDH1-related conditions. ClinVar contains an entry for this variant (Variation ID: 1368321). Experimental studies and prediction algorithms are not available or were not evaluated, and the functional significance of this variant is currently unknown. In summary, the available evidence is currently insufficient to determine the role of this variant in disease. Therefore, it has been classified as a Variant of Uncertain Significance.

Blueprint Genetics
Classification: Uncertain significance. Last evaluated: 2021-12-21. Review status: criteria provided, single submitter. Criteria: ACMG Guidelines, 2015. Collection method: clinical testing. Allele origin: germline.

NM_000883.4(IMPDH1):c.1299_1313del (p.Lys434_Tyr438del)

Gene: IMPDH1 (inosine monophosphate dehydrogenase 1; minus strand). Cytogenetic location: 7q32.1.
Variant type: Deletion.
Coding change: c.1299_1313del on transcript NM_000883.4 (MANE Select); coding-DNA positions 1299 to 1313, 15 bases deleted (CAAGGTGGCTGAGTA).
Protein change: p.Lys434_Tyr438del.
Molecular consequence: inframe deletion.
Genome position (GRCh38, 1-based): chr7:128,395,223-128,395,237, TACTCAGCCACCTTG deleted on the plus strand (CAAGGTGGCTGAGTA on the coding strand, the reverse complement: IMPDH1 is on the minus strand); deleting any 15 consecutive bases within chr7:128,395,223-128,395,240 gives the same sequence; the c. name uses the placement nearest the transcript's 3' end. VCF-style (leftmost placement, unchanged base first): chr7-128395222-ATACTCAGCCACCTTG-A. GRCh37 (hg19) VCF-style: chr7-128035276-ATACTCAGCCACCTTG-A.
Other names: c.1269_1283del, p.Lys424_Tyr428del (NM_001102605.2); c.1044_1058del, p.Lys349_Tyr353del (NM_001142573.2); c.1029_1043del, p.Lys344_Tyr348del (NM_001142574.2); c.969_983del, p.Lys324_Tyr328del (NM_001142575.2); c.1200_1214del, p.Lys401_Tyr405del (NM_001142576.2); c.1092_1106del, p.Lys365_Tyr369del (NM_001304521.2); c.1191_1205del, p.Lys398_Tyr402del (NM_183243.3).
Identifiers: ClinVar variation 1368321 (VCV001368321.9), dbSNP rs1480970867, ClinGen allele CA578149242.